The following is an entry in ClinVar:

NM_005089.4(ZRSR2):c.122-3649A>G

Gene: ZRSR2 (zinc finger CCCH-type, RNA binding motif and serine/arginine rich 2; plus strand). Cytogenetic location: Xp22.2.
Variant type: single nucleotide variant.
Coding change: c.122-3649A>G on transcript NM_005089.4 (MANE Select); 3649 bases into the intron before coding-DNA position 122, A replaced by G.
Molecular consequence: intron variant.
Genome position (GRCh38, 1-based): chrX:15,796,223, A>G. VCF-style: chrX-15796223-A-G. GRCh37 (hg19) VCF-style: chrX-15814346-A-G.
Identifiers: ClinVar variation 4822153 (VCV004822153.4).

ClinVar aggregate classification (germline): Likely benign (1 of 4 stars; one submission).

gnomAD v4.1: 1 of 111,515 alleles (0.0009%); highest among the groups gnomAD compares: Non-Finnish European, 0.0019%; no homozygotes.

Submission:

CeGaT Center for Human Genetics Tuebingen
Classification: Likely benign. Last evaluated: 2026-03-01. Review status: criteria provided, single submitter. Criteria: CeGaT Center For Human Genetics Tuebingen Variant Classification Criteria Version 2. Collection method: clinical testing. Allele origin: germline. Affected: yes. Observed: 1 variant allele.
Comment: ZRSR2: BP4, BP7